The following is an entry in ClinVar:

NM_018124.4(RFWD3):c.1316A>G (p.Gln439Arg)

Gene: RFWD3 (ring finger and WD repeat domain 3; minus strand). Cytogenetic location: 16q23.1.
Variant type: single nucleotide variant.
Coding change: c.1316A>G on transcript NM_018124.4 (MANE Select); coding-DNA position 1316, A replaced by G.
Protein change: p.Gln439Arg; replaces glutamine 439 with arginine.
Molecular consequence: missense variant.
Genome position (GRCh38, 1-based): chr16:74,636,456, T>C on the plus strand (A>G on the coding strand, the complement: RFWD3 is on the minus strand). VCF-style: chr16-74636456-T-C. GRCh37 (hg19) VCF-style: chr16-74670354-T-C.
Other names: c.1316A>G, p.Gln439Arg (NM_001370534.1, NM_001370535.1, NM_001370536.1); c.482A>G, p.Gln161Arg (NM_001370537.1, NM_001370539.1, NM_001370540.1 and 3 more transcripts); short protein forms Q161R, Q439R.
Identifiers: ClinVar variation 2876000 (VCV002876000.3), dbSNP rs779053297, ClinGen allele CA8169252.

ClinVar aggregate classification (germline): Uncertain significance (1 of 4 stars; one submission).

Allele frequency attached by ClinVar (database versions not stated): ExAC 0.00001; gnomAD 0.00001.
gnomAD v4.1: 1 of 1,614,066 alleles (0.000062%); highest among the groups gnomAD compares: Non-Finnish European, 0.000085%; no homozygotes.

Submission:

Labcorp Genetics (formerly Invitae), Labcorp
Classification: Uncertain significance. Last evaluated: 2023-08-20. Review status: criteria provided, single submitter. Criteria: Invitae Variant Classification Sherloc (09022015). Collection method: clinical testing. Allele origin: germline.
Comment: In summary, the available evidence is currently insufficient to determine the role of this variant in disease. Therefore, it has been classified as a Variant of Uncertain Significance. An algorithm developed to predict the effect of missense changes on protein structure and function (PolyPhen-2) suggests that this variant is likely to be tolerated. This variant has not been reported in the literature in individuals affected with RFWD3-related conditions. This variant is present in population databases (rs779053297, gnomAD 0.003%). This sequence change replaces glutamine, which is neutral and polar, with arginine, which is basic and polar, at codon 439 of the RFWD3 protein (p.Gln439Arg).